The following is an entry in ClinVar:

NM_000245.4(MET):c.3290T>C (p.Leu1097Ser)

Gene: MET (MET proto-oncogene, receptor tyrosine kinase; plus strand). Cytogenetic location: 7q31.2.
Variant type: single nucleotide variant.
Coding change: c.3290T>C on transcript NM_000245.4 (MANE Select); coding-DNA position 3290, T replaced by C.
Protein change: p.Leu1097Ser; replaces leucine 1097 with serine.
Molecular consequence: missense variant.
Genome position (GRCh38, 1-based): chr7:116,777,419, T>C. VCF-style: chr7-116777419-T-C. GRCh37 (hg19) VCF-style: chr7-116417473-T-C.
Other names: c.3344T>C, p.Leu1115Ser (NM_001127500.3); c.2000T>C, p.Leu667Ser (NM_001324402.2); short protein forms L1097S, L1115S, L667S.
Identifiers: ClinVar variation 4825339 (VCV004825339.2).

ClinVar aggregate classification (germline): Uncertain significance (1 of 4 stars; one submission).

Conditions:
Hereditary cancer-predisposing syndrome. Also called: Neoplastic Syndromes, Hereditary; Tumor predisposition; Hereditary Cancer Syndrome; Hereditary neoplastic syndrome. Identifiers: Orphanet 140162, MedGen C0027672, MeSH D009386, MONDO:0015356.

gnomAD v4.1: 1 of 1,613,914 alleles (0.000062%); highest among the groups gnomAD compares: Non-Finnish European, 0.000085%; no homozygotes.

Submission:

Ambry Genetics
Classification: Uncertain significance for Hereditary cancer-predisposing syndrome. Last evaluated: 2026-08-24. Review status: criteria provided, single submitter. Criteria: Ambry Variant Classification Scheme 2023. Collection method: clinical testing. Allele origin: germline.
Comment: The p.L1115S variant (also known as c.3344T>C), located in coding exon 15 of the MET gene, results from a T to C substitution at nucleotide position 3344. The leucine at codon 1115 is replaced by serine, an amino acid with dissimilar properties. This amino acid position is highly conserved in available vertebrate species. In addition, this alteration is predicted to be deleterious by in silico analysis. Based on the available evidence, the clinical significance of this variant remains unclear.